The following is an entry in ClinVar:

NM_005909.5(MAP1B):c.102C>T (p.Asp34=)

Gene: MAP1B (microtubule associated protein 1B; plus strand). Cytogenetic location: 5q13.2.
Variant type: single nucleotide variant.
Coding change: c.102C>T on transcript NM_005909.5 (MANE Select); coding-DNA position 102, C replaced by T.
Protein change: p.Asp34=; no amino-acid change (aspartic acid 34 retained).
Molecular consequence: synonymous variant.
Genome position (GRCh38, 1-based): chr5:72,107,633, C>T. VCF-style: chr5-72107633-C-T. GRCh37 (hg19) VCF-style: chr5-71403460-C-T.
Identifiers: ClinVar variation 3030137 (VCV003030137.2), dbSNP rs534198938, ClinGen allele CA3298389.

ClinVar aggregate classification (germline): Likely benign (0 of 4 stars; one submission).

Conditions:
MAP1B-related disorder. Also called: MAP1B-related condition.

Allele frequency attached by ClinVar (database versions not stated): TOPMed 0.00012; gnomAD exomes 0.00017; 1000 Genomes Project 0.00020; gnomAD 0.00024; 1000 Genomes Project 30x 0.00031; ExAC 0.00034.
gnomAD v4.1: 274 of 1,600,504 alleles (0.017%); highest among the groups gnomAD compares: South Asian, 0.13%; 2 homozygotes.

Submission:

PreventionGenetics, part of Exact Sciences
Classification: Likely benign for MAP1B-related condition. Last evaluated: 2021-10-12. Review status: no assertion criteria provided. Collection method: clinical testing. Allele origin: germline.
Comment: This variant is classified as likely benign based on ACMG/AMP sequence variant interpretation guidelines (Richards et al. 2015 PMID: 25741868, with internal and published modifications).